The following is an entry in ClinVar:

ClinVar aggregate classification (germline): Conflicting classifications of pathogenicity. Review status: criteria provided, conflicting classifications (1 of 4 stars). 4 submissions from 4 submitters: Likely pathogenic (1); Uncertain significance (2). 1 of the submissions does not count toward it. Last evaluated 2025-10-02.

Conditions:
alpha Thalassemia. Also called: Alpha thalassemia spectrum. Identifiers: Orphanet 846, MedGen C0002312, MONDO:0011399, OMIM 604131.
HEMOGLOBIN OWARI.

Allele frequency attached by ClinVar (database versions not stated): gnomAD 0.00001; gnomAD exomes 0.00001 and 0.00004; TOPMed 0.00003; ExAC 0.00004.
gnomAD v4.1: 10 of 1,613,284 alleles (0.00062%); highest among the groups gnomAD compares: East Asian, 0.02%; no homozygotes.

Submissions (4):

Natera, Inc.
Classification: Likely pathogenic for Alpha thalassemia. Last evaluated: 2025-10-02. Review status: criteria provided, single submitter. Criteria: Natera Variant Classification Schema (03/2026). Collection method: clinical testing. Allele origin: germline.
Comment: The c.364G>A variant in HBA1 is a missense variant predicted to cause substitution of valine to methionine at amino acid 122. This variant is rare in the general population with a frequency below the threshold expected for the associated phenotype(s). This variant has been observed in one or more individuals affected with the associated recessive disease, as either homozygous or compound heterozygous with a second variant (PMID: 36630651). Multiple computational prediction algorithms suggest this variant is unlikely to affect gene or protein function. Given the available evidence, this variant is classified as Likely Pathogenic.

Quest Diagnostics Nichols Institute San Juan Capistrano
Classification: Uncertain significance. Last evaluated: 2021-08-14. Review status: criteria provided, single submitter. Criteria: Quest Diagnostics criteria. Collection method: clinical testing. Allele origin: unknown.

ARUP Laboratories, Molecular Genetics and Genomics, ARUP Laboratories
Classification: Uncertain significance. Last evaluated: 2017-01-19. Review status: criteria provided, single submitter. Criteria: ARUP Molecular Germline Variant Investigation Process. Collection method: clinical testing. Allele origin: germline.

OMIM
Classification: other for HEMOGLOBIN OWARI. Last evaluated: 2018-05-10. Review status: no assertion criteria provided. Collection method: literature only. Allele origin: germline. Not counted in ClinVar's aggregate classification.

Literature cited by the submitters: PubMed 36630651 (cited by Natera, Inc.); PubMed 3754245 (cited by Quest Diagnostics Nichols Institute San Juan Capistrano); PubMed 24200101 (cited by Quest Diagnostics Nichols Institute San Juan Capistrano); PubMed 20144601 (cited by Quest Diagnostics Nichols Institute San Juan Capistrano); PubMed 21599435 (cited by Quest Diagnostics Nichols Institute San Juan Capistrano); PubMed 25669128 (cited by Quest Diagnostics Nichols Institute San Juan Capistrano); PubMed 31553106 (cited by Quest Diagnostics Nichols Institute San Juan Capistrano); PubMed 7068434 (cited by OMIM).

NM_000558.5(HBA1):c.364G>A (p.Val122Met)

Genes: HBA1 (hemoglobin subunit alpha 1; plus strand), LOC106804613 (hemoglobin subunit alpha 1 recombination region; plus strand). Cytogenetic location: 16p13.3.
Variant type: single nucleotide variant.
Coding change: c.364G>A on transcript NM_000558.5 (MANE Select); coding-DNA position 364, G replaced by A.
Protein change: p.Val122Met; replaces valine 122 with methionine.
Molecular consequence: missense variant.
Genome position (GRCh38, 1-based): chr16:177,346, G>A. VCF-style: chr16-177346-G-A. GRCh37 (hg19) VCF-style: chr16-227345-G-A.
Other names: V121M; Hb Owari; short protein forms V122M.
Identifiers: ClinVar variation 15798 (VCV000015798.14), dbSNP rs63751008, ClinGen allele CA125857.